The following is an entry in ClinVar:

ClinVar aggregate classification (germline): Likely benign. Review status: criteria provided, multiple submitters, no conflicts (2 of 4 stars). 3 submissions from 3 submitters: Likely benign (2). 1 of the submissions does not count toward it. Last evaluated 2025-11-01.

Conditions:
PKHD1-related disorder. Also called: PKHD1-related condition.
Autosomal recessive polycystic kidney disease (ARPKD). Also called: AR polycystic kidney disease. Identifiers: Orphanet 731, Orphanet 8378, MedGen C0085548, MeSH D017044, MONDO:0009889.

Allele frequency attached by ClinVar (database versions not stated): TOPMed 0.00003; gnomAD exomes 0.00008 and 0.00002; ExAC 0.00002; gnomAD 0.00003.
gnomAD v4.1: 125 of 1,613,570 alleles (0.0077%); highest among the groups gnomAD compares: Non-Finnish European, 0.0093%; no homozygotes.

Submissions (3):

Labcorp Genetics (formerly Invitae), Labcorp
Classification: Likely benign for Autosomal recessive polycystic kidney disease. Last evaluated: 2025-11-01. Review status: criteria provided, single submitter. Criteria: Invitae Variant Classification Sherloc (09022015). Collection method: clinical testing. Allele origin: germline.

PreventionGenetics, part of Exact Sciences
Classification: Likely benign for PKHD1-related condition. Last evaluated: 2025-07-23. Review status: criteria provided, single submitter. Criteria: ACMG Guidelines, 2015. Collection method: clinical testing. Allele origin: germline.
Comment: This variant is classified as likely benign based on ACMG/AMP sequence variant interpretation guidelines (Richards et al. 2015 PMID: 25741868, with internal and published modifications).

Natera, Inc.
Classification: Likely benign for Autosomal recessive polycystic kidney disease. Last evaluated: 2018-10-30. Review status: no assertion criteria provided. Collection method: clinical testing. Allele origin: germline. Not counted in ClinVar's aggregate classification.

NM_138694.4(PKHD1):c.8325A>C (p.Thr2775=)

Gene: PKHD1 (PKHD1 ciliary IPT domain containing fibrocystin/polyductin; minus strand). Cytogenetic location: 6p12.3.
Variant type: single nucleotide variant.
Coding change: c.8325A>C on transcript NM_138694.4 (MANE Select); coding-DNA position 8325, A replaced by C.
Protein change: p.Thr2775=; no amino-acid change (threonine 2775 retained).
Molecular consequence: synonymous variant.
Genome position (GRCh38, 1-based): chr6:51,791,351, T>G on the plus strand (A>C on the coding strand, the complement: PKHD1 is on the minus strand). VCF-style: chr6-51791351-T-G. GRCh37 (hg19) VCF-style: chr6-51656149-T-G.
Other names: c.8325A>C, p.Thr2775= (NM_170724.3); c.8325A>C (NM_138694.3).
Identifiers: ClinVar variation 1151019 (VCV001151019.15), dbSNP rs753727582, ClinGen allele CA3851662.